The following is an entry in ClinVar:

ClinVar aggregate classification (germline): Uncertain significance (1 of 4 stars; one submission).

Conditions:
Familial thoracic aortic aneurysm and aortic dissection (TAAD). Also called: Thoracic aortic aneurysms and dissections. Identifiers: Orphanet 91387, MedGen C4707243, MONDO:0019625.

gnomAD v4.1: 2 of 1,614,224 alleles (0.00012%); highest among the groups gnomAD compares: African/African-American, 0.0013%; no homozygotes.

Submission:

Color Diagnostics, LLC DBA Color Health
Classification: Uncertain significance for Familial thoracic aortic aneurysm and aortic dissection. Last evaluated: 2025-08-30. Review status: criteria provided, single submitter. Criteria: ACMG Guidelines, 2015. Collection method: clinical testing. Allele origin: germline.
Comment: This missense variant replaces serine with asparagine at codon 164 of the MYH11 protein. Computational prediction suggests that this variant may not impact protein structure and function. To our knowledge, functional studies have not been reported for this variant. This variant has not been reported in individuals affected with MYH11-related disorders in the literature. This variant has been identified in 1/31410 chromosomes in the general population by the Genome Aggregation Database (gnomAD). The available evidence is insufficient to determine the role of this variant in disease conclusively. Therefore, this variant is classified as a Variant of Uncertain Significance.

NM_002474.3(MYH11):c.491G>A (p.Ser164Asn)

Gene: MYH11 (myosin heavy chain 11; minus strand). Cytogenetic location: 16p13.11.
Variant type: single nucleotide variant.
Coding change: c.491G>A on transcript NM_002474.3 (MANE Select); coding-DNA position 491, G replaced by A.
Protein change: p.Ser164Asn; replaces serine 164 with asparagine.
Molecular consequence: missense variant.
Genome position (GRCh38, 1-based): chr16:15,823,266, C>T on the plus strand (G>A on the coding strand, the complement: MYH11 is on the minus strand). VCF-style: chr16-15823266-C-T. GRCh37 (hg19) VCF-style: chr16-15917123-C-T.
Other names: c.491G>A, p.Ser164Asn (NM_001040113.2, NM_001040114.2, NM_022844.3); short protein forms S164N.
Identifiers: ClinVar variation 4756191 (VCV004756191.1).
Genomic context (GRCh38, chr16:15,823,266, plus strand): 5'-CAGGAGGGGCTCCCTGGAGCTGGCCCCGTGCAGCCCTGAGTTCACTCACCTTGAAGCATG[C>T]TCCGGTAGGCCGTGTCTGCGATGGCGTAGATGTGAGGCGGCATCTCGTGCCTCTTCTTGC-3'
Protein context (NP_002465.1, residues 154-174): IYAIADTAYR[Ser164Asn]MLQDREDQSI